The following is an entry in ClinVar:

NM_000719.7(CACNA1C):c.4757G>A (p.Arg1586Gln)

Gene: CACNA1C (calcium voltage-gated channel subunit alpha1 C; plus strand). Cytogenetic location: 12p13.33.
Variant type: single nucleotide variant.
Coding change: c.4757G>A on transcript NM_000719.7 (MANE Select); coding-DNA position 4757, G replaced by A.
Protein change: p.Arg1586Gln; replaces arginine 1586 with glutamine.
Molecular consequence: missense variant.
Genome position (GRCh38, 1-based): chr12:2,674,571, G>A. VCF-style: chr12-2674571-G-A. GRCh37 (hg19) VCF-style: chr12-2783737-G-A.
Other names: c.4901G>A, p.Arg1634Gln (NM_001129827.2, NM_199460.4); c.4880G>A, p.Arg1627Gln (NM_001129829.2); c.4757G>A, p.Arg1586Gln (NM_001129830.3, NM_001129840.2, NM_001129841.2 and 4 more transcripts); c.4841G>A, p.Arg1614Gln (NM_001129831.2); c.4817G>A, p.Arg1606Gln (NM_001129832.2); c.4814G>A, p.Arg1605Gln (NM_001129833.2, NM_001129834.2, NM_001129835.2); c.4808G>A, p.Arg1603Gln (NM_001129836.2); c.4781G>A, p.Arg1594Gln (NM_001129837.2, NM_001129838.2); and 3 more; short protein forms R1634Q, R1586Q, R1575Q, R1627Q, R1606Q, R1592Q, R1594Q, R1603Q.
Identifiers: ClinVar variation 526921 (VCV000526921.10), dbSNP rs375656252, ClinGen allele CA6389609.

ClinVar aggregate classification (germline): Uncertain significance. Review status: criteria provided, multiple submitters, no conflicts (2 of 4 stars). 2 submissions from 2 submitters: Uncertain significance (2). Last evaluated 2024-07-03.

Conditions:
Long QT syndrome (LQTS). Identifiers: MedGen C0023976, MeSH D008133, MONDO:0002442. Disease mechanism: loss of function. Inheritance: Various modes of inheritance.
Cardiovascular phenotype. Identifiers: MedGen CN230736.

Allele frequency attached by ClinVar (database versions not stated): gnomAD exomes below 0.00001 and 0.00001; ExAC 0.00004; ESP Exome Variant Server 0.00008.
gnomAD v4.1: 4 of 1,572,138 alleles (0.00025%); highest among the groups gnomAD compares: Non-Finnish European, 0.00035%; no homozygotes.

Submissions (2):

Ambry Genetics
Classification: Uncertain significance for Cardiovascular phenotype. Last evaluated: 2024-07-03. Review status: criteria provided, single submitter. Criteria: Ambry Variant Classification Scheme 2023. Collection method: clinical testing. Allele origin: germline.
Comment: The p.R1586Q variant (also known as c.4757G>A), located in coding exon 39 of the CACNA1C gene, results from a G to A substitution at nucleotide position 4757. The arginine at codon 1586 is replaced by glutamine, an amino acid with highly similar properties. This variant has been reported in a long QT syndrome cohort (Wemh&ouml;ner K et al. J Mol Cell Cardiol, 2015 Mar;80:186-95). This amino acid position is highly conserved in available vertebrate species. In addition, this alteration is predicted to be deleterious by in silico analysis. Based on the available evidence, the clinical significance of this variant remains unclear.

Labcorp Genetics (formerly Invitae), Labcorp
Classification: Uncertain significance for Long QT syndrome. Last evaluated: 2024-05-04. Review status: criteria provided, single submitter. Criteria: Invitae Variant Classification Sherloc (09022015). Collection method: clinical testing. Allele origin: germline.
Comment: This sequence change replaces arginine, which is basic and polar, with glutamine, which is neutral and polar, at codon 1586 of the CACNA1C protein (p.Arg1586Gln). The frequency data for this variant in the population databases is considered unreliable, as metrics indicate poor data quality at this position in the gnomAD database. This variant has not been reported in the literature in individuals affected with CACNA1C-related conditions. ClinVar contains an entry for this variant (Variation ID: 526921). Advanced modeling of protein sequence and biophysical properties (such as structural, functional, and spatial information, amino acid conservation, physicochemical variation, residue mobility, and thermodynamic stability) performed at Invitae indicates that this missense variant is expected to disrupt CACNA1C protein function with a positive predictive value of 95%. In summary, the available evidence is currently insufficient to determine the role of this variant in disease. Therefore, it has been classified as a Variant of Uncertain Significance.

Literature cited by the submitters: PubMed 25633834 (cited by Ambry Genetics).